The following is an entry in ClinVar:

NM_001909.5(CTSD):c.606C>G (p.Ala202=)

Gene: CTSD (cathepsin D; minus strand). Cytogenetic location: 11p15.5.
Variant type: single nucleotide variant.
Coding change: c.606C>G on transcript NM_001909.5 (MANE Select); coding-DNA position 606, C replaced by G.
Protein change: p.Ala202=; no amino-acid change (alanine 202 retained).
Molecular consequence: synonymous variant.
Genome position (GRCh38, 1-based): chr11:1,757,422, G>C on the plus strand (C>G on the coding strand, the complement: CTSD is on the minus strand). VCF-style: chr11-1757422-G-C. GRCh37 (hg19) VCF-style: chr11-1778652-G-C.
Identifiers: ClinVar variation 1108863 (VCV001108863.11), dbSNP rs775478289, ClinGen allele CA5814131.

ClinVar aggregate classification (germline): Likely benign. Review status: criteria provided, multiple submitters, no conflicts (2 of 4 stars). 3 submissions from 3 submitters: Likely benign (3). Last evaluated 2026-07-01.

Conditions:
Neuronal ceroid lipofuscinosis. Also called: Neuronal Ceroid Lipofuscinoses. Identifiers: Orphanet 216, Orphanet 79263, MedGen C0027877, MONDO:0016295. Disease mechanism: loss of function.

Allele frequency attached by ClinVar (database versions not stated): TOPMed below 0.00001; gnomAD exomes 0.00002 and 0.00005; ExAC 0.00003.
gnomAD v4.1: 12 of 1,614,172 alleles (0.00074%); highest among the groups gnomAD compares: Admixed American, 0.02%; no homozygotes.

Submissions (3):

CeGaT Center for Human Genetics Tuebingen
Classification: Likely benign. Last evaluated: 2026-07-01. Review status: criteria provided, single submitter. Criteria: CeGaT Center For Human Genetics Tuebingen Variant Classification Criteria Version 2. Collection method: clinical testing. Allele origin: germline. Affected: yes. Observed: 1 variant allele.
Comment: CTSD: BP4, BP7

Labcorp Genetics (formerly Invitae), Labcorp
Classification: Likely benign for Neuronal ceroid lipofuscinosis. Last evaluated: 2026-01-31. Review status: criteria provided, single submitter. Criteria: Invitae Variant Classification Sherloc (09022015). Collection method: clinical testing. Allele origin: germline.

Blueprint Genetics
Classification: Likely benign. Last evaluated: 2022-11-07. Review status: criteria provided, single submitter. Criteria: ACMG Guidelines, 2015. Collection method: clinical testing. Allele origin: germline.